The following is an entry in ClinVar:

ClinVar aggregate classification (germline): Uncertain significance. Review status: criteria provided, multiple submitters, no conflicts (2 of 4 stars). 2 submissions from 2 submitters: Uncertain significance (2). Last evaluated 2024-12-03.

Conditions:
Inborn genetic diseases. Identifiers: MedGen C0950123, MeSH D030342.
Familial episodic pain syndrome with predominantly lower limb involvement. Also called: Episodic pain syndrome, familial, 3. Identifiers: Orphanet 391384, Orphanet 391392, MedGen C3809899, MONDO:0014247, OMIM 615552.
Hereditary sensory and autonomic neuropathy type 7. Also called: Neuropathy, hereditary sensory and autonomic, type VII; HSAN VII. Identifiers: Orphanet 391397, MedGen C3809882, MONDO:0014244, OMIM 615548.

Allele frequency attached by ClinVar (database versions not stated): gnomAD exomes 0.00001; TOPMed 0.00001.
gnomAD v4.1: 9 of 1,614,120 alleles (0.00056%); highest among the groups gnomAD compares: South Asian, 0.0033%; 1 homozygote.

Submissions (2):

Ambry Genetics
Classification: Uncertain significance for Inborn genetic diseases. Last evaluated: 2024-12-03. Review status: criteria provided, single submitter. Criteria: Ambry Variant Classification Scheme 2023. Collection method: clinical testing. Allele origin: germline.

Labcorp Genetics (formerly Invitae), Labcorp
Classification: Uncertain significance for Familial episodic pain syndrome with predominantly lower limb involvement; Hereditary sensory and autonomic neuropathy type 7. Last evaluated: 2023-12-23. Review status: criteria provided, single submitter. Criteria: Invitae Variant Classification Sherloc (09022015). Collection method: clinical testing. Allele origin: germline.
Comment: This sequence change replaces glycine, which is neutral and non-polar, with serine, which is neutral and polar, at codon 1695 of the SCN11A protein (p.Gly1695Ser). This variant is present in population databases (no rsID available, gnomAD 0.006%). This variant has not been reported in the literature in individuals affected with SCN11A-related conditions. ClinVar contains an entry for this variant (Variation ID: 567946). Advanced modeling of protein sequence and biophysical properties (such as structural, functional, and spatial information, amino acid conservation, physicochemical variation, residue mobility, and thermodynamic stability) performed at Invitae indicates that this missense variant is expected to disrupt SCN11A protein function with a positive predictive value of 80%. In summary, the available evidence is currently insufficient to determine the role of this variant in disease. Therefore, it has been classified as a Variant of Uncertain Significance.

NM_001349253.2(SCN11A):c.5083G>A (p.Gly1695Ser)

Gene: SCN11A (sodium voltage-gated channel alpha subunit 11; minus strand). Cytogenetic location: 3p22.2.
Variant type: single nucleotide variant.
Coding change: c.5083G>A on transcript NM_001349253.2 (MANE Select); coding-DNA position 5083, G replaced by A.
Protein change: p.Gly1695Ser; replaces glycine 1695 with serine.
Molecular consequence: missense variant.
Genome position (GRCh38, 1-based): chr3:38,846,987, C>T on the plus strand (G>A on the coding strand, the complement: SCN11A is on the minus strand). VCF-style: chr3-38846987-C-T. GRCh37 (hg19) VCF-style: chr3-38888478-C-T.
Other names: c.5083G>A, p.Gly1695Ser (NM_014139.3); short protein forms G1695S.
Identifiers: ClinVar variation 567946 (VCV000567946.6), dbSNP rs1413143057, ClinGen allele CA352161330.
Genomic context (GRCh38, chr3:38,846,987, plus strand): 5'-TGGCTTCCATGAACTTCTCTTCCATCATTGCTTTCATACTATCTAGGCCATCAGAGCCAC[C>T]GAGTACCCTAGCGGTGAAGGCGAAAAGAATATCCATGCAGTGGAGGCGATCTTCACTCAC-3'
Protein context (NP_001336182.1, residues 1685-1705): ILFAFTARVL[Gly1695Ser]GSDGLDSMKA